The following is an entry in ClinVar:

NM_001127464.1:c.11272G>A

Gene: ZNF469 (zinc finger protein 469; plus strand).
Variant type: single nucleotide variant.
Identifiers: ClinVar variation 4209209 (VCV004209209.1).

ClinVar aggregate classification (germline): Uncertain significance (1 of 4 stars; one submission).

Conditions:
Cardiovascular phenotype. Identifiers: MedGen CN230736.

Submission:

Ambry Genetics
Classification: Uncertain significance for Cardiovascular phenotype. Last evaluated: 2025-08-12. Review status: criteria provided, single submitter. Criteria: Ambry Variant Classification Scheme 2023. Collection method: clinical testing. Allele origin: germline.
Comment: The p.A3758T variant (also known as c.11272G>A), located in coding exon 2 of the ZNF469 gene, results from a G to A substitution at nucleotide position 11272. The alanine at codon 3758 is replaced by threonine, an amino acid with similar properties. This amino acid position is conserved. In addition, this alteration is predicted to be tolerated by in silico analysis. Based on the available evidence, the clinical significance of this variant remains unclear.